The following is an entry in ClinVar:

ClinVar aggregate classification (germline): Conflicting classifications of pathogenicity. Review status: criteria provided, conflicting classifications (1 of 4 stars). 17 submissions from 17 submitters: Uncertain significance (2); Benign (2); Likely benign (10). 3 of the submissions do not count toward it. Last evaluated 2026-04-01.

Conditions:
Familial ovarian cancer. Identifiers: MedGen C5679802, MONDO:0016248.
BARD1-related disorder. Also called: BARD1-related condition.
Hereditary cancer-predisposing syndrome. Also called: Tumor predisposition; Neoplastic Syndromes, Hereditary; Hereditary Cancer Syndrome; Hereditary neoplastic syndrome. Identifiers: Orphanet 140162, MedGen C0027672, MeSH D009386, MONDO:0015356.
Breast and/or ovarian cancer. Identifiers: MedGen CN221562.
Familial cancer of breast. Also called: hereditary breast carcinoma; BREAST CANCER, FAMILIAL; Hereditary breast cancer. Identifiers: Orphanet 227535, MedGen C0346153, MONDO:0016419, OMIM 114480. Disease mechanism: loss of function.
Triple-Negative Breast Cancer Finding. Identifiers: MedGen C2348819.

Allele frequency attached by ClinVar (database versions not stated): ExAC 0.00021; gnomAD 0.00021; gnomAD exomes 0.00021 and 0.00043; ESP Exome Variant Server 0.00023; TOPMed 0.00028.
gnomAD v4.1: 643 of 1,613,768 alleles (0.04%); highest among the groups gnomAD compares: Non-Finnish European, 0.051%; no homozygotes.

Submissions (17):

CeGaT Center for Human Genetics Tuebingen
Classification: Likely benign. Last evaluated: 2026-04-01. Review status: criteria provided, single submitter. Criteria: CeGaT Center For Human Genetics Tuebingen Variant Classification Criteria Version 2. Collection method: clinical testing. Allele origin: germline. Affected: yes. Observed: 2 variant alleles.
Comment: BARD1: BP4, BP7

Labcorp Genetics (formerly Invitae), Labcorp
Classification: Benign for Familial cancer of breast. Last evaluated: 2026-02-04. Review status: criteria provided, single submitter. Criteria: Invitae Variant Classification Sherloc (09022015). Collection method: clinical testing. Allele origin: germline.

Quest Diagnostics Nichols Institute San Juan Capistrano
Classification: Likely benign. Last evaluated: 2025-08-15. Review status: criteria provided, single submitter. Criteria: Quest Diagnostics criteria. Collection method: clinical testing. Allele origin: unknown.

Molecular Diagnostics Laboratory, Catalan Institute of Oncology
Classification: Likely benign for Hereditary cancer-predisposing syndrome. Last evaluated: 2025-04-13. Review status: criteria provided, single submitter. Criteria: ACMG Guidelines, 2015. Collection method: clinical testing. Allele origin: germline.
Comment: BP4, BP7 c.1347A>G, located in exon 5 of the BARD1 gene, is predicted to result in no splicing alteration (according to SpliceAI) and no amino acid change, p.(Gln449=) (BP4, BP7). This variant is found in 56/268172 alleles at a frequency of 0.021% in the gnomAD v2.1.1 database, non-cancer dataset. To our knowledge, neither relevant clinical data nor well-stablished functional studies have been reported for this variant. It has been reported in the ClinVar database (2x benign, 9x likely benign, 4x uncertain significance) and in the LOVD database (1x benign, 3x likely benign). Based on the currently available information, c.1347A>G is classified as a likely benign variant according to ACMG guidelines.

Center for Genomic Medicine, Rigshospitalet, Copenhagen University Hospital
Classification: Uncertain significance. Last evaluated: 2025-03-04. Review status: criteria provided, single submitter. Criteria: ACMG Guidelines, 2015. Collection method: clinical testing. Allele origin: germline.

Blueprint Genetics
Classification: Likely benign. Last evaluated: 2024-11-06. Review status: criteria provided, single submitter. Criteria: ACMG Guidelines, 2015. Collection method: clinical testing. Allele origin: germline.

Myriad Genetics, Inc.
Classification: Likely benign for Familial cancer of breast. Last evaluated: 2024-07-25. Review status: criteria provided, single submitter. Criteria: Myriad Autosomal Dominant, Autosomal Recessive and X-Linked Classification Criteria (2023). Collection method: clinical testing. Allele origin: unknown.
Comment: This variant is considered likely benign. This variant is strongly associated with less severe personal and family histories of cancer, typical for individuals without pathogenic variants in this gene [PMID: 25085752].

CHEO Genetics Diagnostic Laboratory, Children's Hospital of Eastern Ontario
Classification: Uncertain significance for Breast and/or ovarian cancer. Last evaluated: 2022-11-22. Review status: criteria provided, single submitter. Criteria: ACMG Guidelines, 2015. Collection method: clinical testing. Allele origin: germline.

Sema4
Classification: Likely benign for Hereditary cancer-predisposing syndrome. Last evaluated: 2020-09-17. Review status: criteria provided, single submitter. Criteria: Sema4 Curation Guidelines. Collection method: curation. Allele origin: germline.

Women's Health and Genetics/Laboratory Corporation of America, LabCorp
Classification: Likely benign. Last evaluated: 2019-08-21. Review status: criteria provided, single submitter. Criteria: LabCorp Variant Classification Summary - May 2015. Collection method: clinical testing. Allele origin: germline.

Mendelics
Classification: Likely benign for Familial cancer of breast. Last evaluated: 2018-07-02. Review status: criteria provided, single submitter. Criteria: Mendelics Assertion Criteria 2017. Collection method: clinical testing. Allele origin: unknown.

Color Diagnostics, LLC DBA Color Health
Classification: Likely benign for Hereditary cancer-predisposing syndrome. Last evaluated: 2015-09-23. Review status: criteria provided, single submitter. Criteria: ACMG Guidelines, 2015. Collection method: clinical testing. Allele origin: germline.

Ambry Genetics
Classification: Likely benign for Hereditary cancer-predisposing syndrome. Last evaluated: 2014-09-10. Review status: criteria provided, single submitter. Criteria: Ambry Variant Classification Scheme 2023. Collection method: clinical testing. Allele origin: germline.

GeneDx
Classification: Benign. Last evaluated: 2014-07-07. Review status: criteria provided, single submitter. Criteria: GeneDx Variant Classification (06012015). Collection method: clinical testing. Allele origin: germline. Affected: yes.
Comment: This variant is considered likely benign or benign based on one or more of the following criteria: it is a conservative change, it occurs at a poorly conserved position in the protein, it is predicted to be benign by multiple in silico algorithms, and/or has population frequency not consistent with disease.

PreventionGenetics, part of Exact Sciences
Classification: Likely benign for BARD1-related condition. Last evaluated: 2024-08-07. Review status: no assertion criteria provided. Collection method: clinical testing. Allele origin: germline. Not counted in ClinVar's aggregate classification.
Comment: This variant is classified as likely benign based on ACMG/AMP sequence variant interpretation guidelines (Richards et al. 2015 PMID: 25741868, with internal and published modifications).

Lab. Molecular Oncology, VUB, Free University of Brussels
Classification: Uncertain significance for Triple-Negative Breast Cancer Finding. Last evaluated: 2015-02-01. Review status: no assertion criteria provided. Collection method: clinical testing. Allele origin: germline. Affected: yes. Not counted in ClinVar's aggregate classification.

Department of Pathology and Laboratory Medicine, Sinai Health System
Classification: Uncertain significance for Familial ovarian cancer. Review status: no assertion criteria provided. Collection method: clinical testing. Allele origin: unknown. Affected: yes. Observed: 2 variant alleles. Study: The Canadian Open Genetics Repository (COGR). Not counted in ClinVar's aggregate classification.
Comment: The BARD1 p.Gln449= variant was identified in 2 of 2596 proband chromosomes (frequency: 0.0008) from individuals or families with triple negative breast cancer and individuals tested for Lynch Syndrome testing and was not identified in 490 control chromosomes from healthy individuals (De Brakeleer_2016_26010302, Yurgelun_2015_25980754). The variant was also identified in the following databases: dbSNP (ID: rs373257776) as â€šÃ„ÃºWith Likely benign alleleâ€šÃ„Ã¹, ClinVar Clinvitae (1x as benign by GeneDx, 2x as likely benign by Ambry Genetics and Invitae). The variant was not identified in Cosmic, MutDB and Zhejiang Colon Cancer Databases. The variant was identified in control databases in 60 of 277060 chromosomes at a frequency of 0.0002 increasing the likelihood this could be a low frequency benign variant (Genome Aggregation Database Feb 27, 2017). Breakdown of the observations by population include African in 1 of 24030 chromosomes (freq: 0.00004), Other in 1 of 6460 chromosomes (freq: 0.00015), Latino in 10 of 34378 chromosomes (freq: 0.0003), European Non-Finnish in 48 of 126608 chromosomes (freq: 0.0004), while the variant was not observed in the Ashkenazi Jewish, East Asian, European Finnish, and South Asian populations. The p.Gln449= variant is not expected to have clinical significance because it does not result in a change of amino acid. This variant occurs outside of the splicing consensus sequence but 5 of 5 in silico or computational prediction software programs (SpliceSiteFinder, MaxEntScan, NNSPLICE, GeneSplicer, HumanSpliceFinder) predict a greater than 10% difference in splicing. However, this information is not predictive enough to assume pathogenicity. In summary, based on the above information the clinical significance of this variant cannot be determined with certainty at this time. This variant is classified as a variant of uncertain significance.

Literature cited by the submitters: PubMed 34646395 (cited by Quest Diagnostics Nichols Institute San Juan Capistrano); PubMed 26010302 (cited by 3 submitters); PubMed 25980754 (cited by Quest Diagnostics Nichols Institute San Juan Capistrano); PubMed 28912018 (cited by Quest Diagnostics Nichols Institute San Juan Capistrano and Sema4); PubMed 26787654 (cited by Quest Diagnostics Nichols Institute San Juan Capistrano); PubMed 35595798 (cited by Quest Diagnostics Nichols Institute San Juan Capistrano); PubMed 25085752 (cited by Myriad Genetics, Inc.).

NM_000465.4(BARD1):c.1347A>G (p.Gln449=)

Gene: BARD1 (BRCA1 associated RING domain 1; minus strand). Cytogenetic location: 2q35.
Variant type: single nucleotide variant.
Coding change: c.1347A>G on transcript NM_000465.4 (MANE Select); coding-DNA position 1347, A replaced by G.
Protein change: p.Gln449=; no amino-acid change (glutamine 449 retained).
Molecular consequence: synonymous variant. On other transcripts: non-coding transcript variant (3), intron variant (3).
Genome position (GRCh38, 1-based): chr2:214,769,280, T>C on the plus strand (A>G on the coding strand, the complement: BARD1 is on the minus strand). VCF-style: chr2-214769280-T-C. GRCh37 (hg19) VCF-style: chr2-215634004-T-C.
Other names: p.Q449Q:CAA>CAG; c.1290A>G, p.Gln430= (NM_001282543.2); c.159-16725A>G (NM_001282548.2); c.216-16725A>G (NM_001282545.2); c.364+23017A>G (NM_001282549.2).
Identifiers: ClinVar variation 182027 (VCV000182027.69), dbSNP rs373257776, ClinGen allele CA298431.
Genomic context (GRCh38, chr2:214,769,280, plus strand): 5'-CCAGACAACTACCAATGGTGTCCATCCAGCATGGTCTTTAACATTTGGATCACTTCCATT[T>C]TGTAAAAGGTATTCAACAGAAGGTATGTCGCCCTAGAAAAATGAACAAAACGGAAATTAA-3'
Protein context (NP_000456.2, residues 439-459): GDIPSVEYLL[Gln449=]NGSDPNVKDH